The following is an entry in ClinVar:

NM_005228.5(EGFR):c.661G>C (p.Gly221Arg)

Gene: EGFR (epidermal growth factor receptor; plus strand). Cytogenetic location: 7p11.2.
Variant type: single nucleotide variant.
Coding change: c.661G>C on transcript NM_005228.5 (MANE Select); coding-DNA position 661, G replaced by C.
Protein change: p.Gly221Arg; replaces glycine 221 with arginine.
Molecular consequence: missense variant. On other transcripts: intron variant (1).
Genome position (GRCh38, 1-based): chr7:55,152,578, G>C. VCF-style: chr7-55152578-G-C. GRCh37 (hg19) VCF-style: chr7-55220271-G-C.
Other names: c.526G>C, p.Gly176Arg (NM_001346897.2, NM_001346899.2); c.661G>C, p.Gly221Arg (NM_001346898.2, NM_201282.2, NM_201283.2 and 1 more transcripts); c.502G>C, p.Gly168Arg (NM_001346900.2); c.89-3252G>C (NM_001346941.2); c.661G>C (NM_005228.3); short protein forms G176R, G221R, G168R.
Identifiers: ClinVar variation 1524652 (VCV001524652.7), dbSNP rs776886714, ClinGen allele CA367577386.

ClinVar aggregate classification (germline): Conflicting classifications of pathogenicity. Review status: criteria provided, conflicting classifications (1 of 4 stars). 2 submissions from 2 submitters: Uncertain significance (1); Likely benign (1). Last evaluated 2025-12-18.

Conditions:
Hereditary cancer-predisposing syndrome. Also called: Neoplastic Syndromes, Hereditary; Tumor predisposition; Hereditary Cancer Syndrome; Hereditary neoplastic syndrome. Identifiers: Orphanet 140162, MedGen C0027672, MeSH D009386, MONDO:0015356.
EGFR-related lung cancer (EGFR). Identifiers: MedGen CN130014.

Submissions (2):

Ambry Genetics
Classification: Likely benign for Hereditary cancer-predisposing syndrome. Last evaluated: 2025-12-18. Review status: criteria provided, single submitter. Criteria: Ambry Variant Classification Scheme 2023. Collection method: clinical testing. Allele origin: germline.

Labcorp Genetics (formerly Invitae), Labcorp
Classification: Uncertain significance for EGFR-related lung cancer. Last evaluated: 2024-01-05. Review status: criteria provided, single submitter. Criteria: Invitae Variant Classification Sherloc (09022015). Collection method: clinical testing. Allele origin: germline.
Comment: This sequence change replaces glycine, which is neutral and non-polar, with arginine, which is basic and polar, at codon 221 of the EGFR protein (p.Gly221Arg). This variant is not present in population databases (gnomAD no frequency). This variant has not been reported in the literature in individuals affected with EGFR-related conditions. ClinVar contains an entry for this variant (Variation ID: 1524652). Advanced modeling of protein sequence and biophysical properties (such as structural, functional, and spatial information, amino acid conservation, physicochemical variation, residue mobility, and thermodynamic stability) performed at Invitae indicates that this missense variant is not expected to disrupt EGFR protein function with a negative predictive value of 80%. In summary, the available evidence is currently insufficient to determine the role of this variant in disease. Therefore, it has been classified as a Variant of Uncertain Significance.